The following is an entry in ClinVar:

NM_000038.6(APC):c.2221A>G (p.Asn741Asp)

Gene: APC (APC regulator of Wnt signaling pathway; plus strand). Cytogenetic location: 5q22.2.
Variant type: single nucleotide variant.
Coding change: c.2221A>G on transcript NM_000038.6 (MANE Select); coding-DNA position 2221, A replaced by G.
Protein change: p.Asn741Asp; replaces asparagine 741 with aspartic acid.
Molecular consequence: missense variant.
Genome position (GRCh38, 1-based): chr5:112,837,815, A>G. VCF-style: chr5-112837815-A-G. GRCh37 (hg19) VCF-style: chr5-112173512-A-G.
Other names: c.2221A>G, p.Asn741Asp (NM_001127510.3, NM_001354895.2); c.2167A>G, p.Asn723Asp (NM_001127511.3); c.2275A>G, p.Asn759Asp (NM_001354896.2); c.2251A>G, p.Asn751Asp (NM_001354897.2); c.2146A>G, p.Asn716Asp (NM_001354898.2); c.2137A>G, p.Asn713Asp (NM_001354899.2); c.2098A>G, p.Asn700Asp (NM_001354900.2); c.2044A>G, p.Asn682Asp (NM_001354901.2); and 5 more; short protein forms N741D, N723D, N682D, N751D, N458D, N581D, N650D, N713D.
Identifiers: ClinVar variation 469736 (VCV000469736.14), dbSNP rs1554084021, ClinGen allele CA16026199.

ClinVar aggregate classification (germline): Uncertain significance. Review status: criteria provided, multiple submitters, no conflicts (2 of 4 stars). 3 submissions from 3 submitters: Uncertain significance (2). 1 of the submissions does not count toward it. Last evaluated 2023-02-23.

Conditions:
APC-related disorder. Also called: APC-related condition.
Familial adenomatous polyposis 1 (FAP1). Also called: POLYPOSIS, ADENOMATOUS INTESTINAL; FAMILIAL ADENOMATOUS POLYPOSIS 1, ATTENUATED. Identifiers: MedGen C2713442, MONDO:0021056, OMIM 175100. Disease mechanism: loss of function.
Hereditary cancer-predisposing syndrome. Also called: Hereditary neoplastic syndrome; Neoplastic Syndromes, Hereditary; Tumor predisposition; Hereditary Cancer Syndrome. Identifiers: Orphanet 140162, MedGen C0027672, MeSH D009386, MONDO:0015356.

Submissions (3):

Ambry Genetics
Classification: Uncertain significance for Hereditary cancer-predisposing syndrome. Last evaluated: 2023-02-23. Review status: criteria provided, single submitter. Criteria: Ambry Variant Classification Scheme 2023. Collection method: clinical testing. Allele origin: germline.
Comment: The p.N741D variant (also known as c.2221A>G), located in coding exon 15 of the APC gene, results from an A to G substitution at nucleotide position 2221. The asparagine at codon 741 is replaced by aspartic acid, an amino acid with highly similar properties. This amino acid position is conserved. In addition, in silico predictors for this gene do not accurately predict pathogenicity. Since supporting evidence is limited at this time, the clinical significance of this alteration remains unclear.

Labcorp Genetics (formerly Invitae), Labcorp
Classification: Uncertain significance for Familial adenomatous polyposis 1. Last evaluated: 2022-07-06. Review status: criteria provided, single submitter. Criteria: Invitae Variant Classification Sherloc (09022015). Collection method: clinical testing. Allele origin: germline.
Comment: Algorithms developed to predict the effect of missense changes on protein structure and function are either unavailable or do not agree on the potential impact of this missense change (SIFT: "Deleterious"; PolyPhen-2: "Benign"; Align-GVGD: "Class C0"). ClinVar contains an entry for this variant (Variation ID: 469736). This variant has not been reported in the literature in individuals affected with APC-related conditions. This variant is not present in population databases (gnomAD no frequency). This sequence change replaces asparagine, which is neutral and polar, with aspartic acid, which is acidic and polar, at codon 741 of the APC protein (p.Asn741Asp). In summary, the available evidence is currently insufficient to determine the role of this variant in disease. Therefore, it has been classified as a Variant of Uncertain Significance.

PreventionGenetics, part of Exact Sciences
Classification: Uncertain significance for APC-related condition. Last evaluated: 2023-11-06. Review status: no assertion criteria provided. Collection method: clinical testing. Allele origin: germline. Not counted in ClinVar's aggregate classification.
Comment: The APC c.2221A>G variant is predicted to result in the amino acid substitution p.Asn741Asp. To our knowledge, this variant has not been reported in the literature or in a large population database, indicating this variant is rare. It is interpreted as uncertain significance in ClinVar. At this time, the clinical significance of this variant is uncertain due to the absence of conclusive functional and genetic evidence.